The following is an entry in ClinVar:

ClinVar aggregate classification (germline): Conflicting classifications of pathogenicity. Review status: criteria provided, conflicting classifications (1 of 4 stars). 3 submissions from 3 submitters: Uncertain significance (2); Likely benign (1). Last evaluated 2025-05-01.

Allele frequency attached by ClinVar (database versions not stated): ExAC 0.00002; gnomAD exomes 0.00002; gnomAD 0.00001; TOPMed 0.00003.

Submissions (3):

Ambry Genetics
Classification: Likely benign. Last evaluated: 2025-05-01. Review status: criteria provided, single submitter. Criteria: Ambry Variant Classification Scheme 2023. Collection method: clinical testing. Allele origin: germline.

GeneDx
Classification: Uncertain significance. Last evaluated: 2024-08-19. Review status: criteria provided, single submitter. Criteria: GeneDx Variant Classification Process June 2021. Collection method: clinical testing. Allele origin: germline. Affected: yes.
Comment: Not observed at significant frequency in large population cohorts (gnomAD); In silico analysis indicates that this missense variant does not alter protein structure/function; Has not been previously published as pathogenic or benign to our knowledge

Labcorp Genetics (formerly Invitae), Labcorp
Classification: Uncertain significance. Last evaluated: 2022-08-31. Review status: criteria provided, single submitter. Criteria: Invitae Variant Classification Sherloc (09022015). Collection method: clinical testing. Allele origin: germline.
Comment: In summary, the available evidence is currently insufficient to determine the role of this variant in disease. Therefore, it has been classified as a Variant of Uncertain Significance. Algorithms developed to predict the effect of missense changes on protein structure and function output the following: SIFT: "Tolerated"; PolyPhen-2: "Benign"; Align-GVGD: "Class C0". The leucine amino acid residue is found in multiple mammalian species, which suggests that this missense change does not adversely affect protein function. ClinVar contains an entry for this variant (Variation ID: 1682459). This variant has not been reported in the literature in individuals affected with KARS-related conditions. This variant is present in population databases (rs774414684, gnomAD 0.006%). This sequence change replaces phenylalanine, which is neutral and non-polar, with leucine, which is neutral and non-polar, at codon 44 of the KARS protein (p.Phe44Leu).

NM_005548.3(KARS1):c.63-2576T>C

Gene: KARS1 (lysyl-tRNA synthetase 1; minus strand). Cytogenetic location: 16q23.1.
Variant type: single nucleotide variant.
Coding change: c.63-2576T>C on transcript NM_005548.3 (MANE Select); 2576 bases into the intron before coding-DNA position 63, T replaced by C.
Molecular consequence: intron variant. On other transcripts: missense variant (1).
Genome position (GRCh38, 1-based): chr16:75,644,299, A>G on the plus strand (T>C on the coding strand, the complement: KARS1 is on the minus strand). VCF-style: chr16-75644299-A-G. GRCh37 (hg19) VCF-style: chr16-75678197-A-G.
Other names: c.130T>C, p.Phe44Leu (NM_001130089.2); c.-406-2576T>C (NM_001378148.1); c.130T>C (NM_001130089.1); short protein forms F44L.
Identifiers: ClinVar variation 1682459 (VCV001682459.6), dbSNP rs774414684, ClinGen allele CA8177780.